The following is an entry in ClinVar:

NM_001127222.2(CACNA1A):c.3034_3048del (p.Thr1012_Asp1016del)

Gene: CACNA1A (calcium voltage-gated channel subunit alpha1 A; minus strand). Cytogenetic location: 19p13.13.
Variant type: Deletion.
Coding change: c.3034_3048del on transcript NM_001127222.2 (MANE Select); coding-DNA positions 3034 to 3048, 15 bases deleted (ACGTACGAGGGGGAC).
Protein change: p.Thr1012_Asp1016del.
Molecular consequence: inframe deletion. On other transcripts: inframe indel (1).
Genome position (GRCh38, 1-based): chr19:13,298,585-13,298,599, GTCCCCCTCGTACGT deleted on the plus strand (ACGTACGAGGGGGAC on the coding strand, the reverse complement: CACNA1A is on the minus strand); deleting any 15 consecutive bases within chr19:13,298,585-13,298,600 gives the same sequence; the c. name uses the placement nearest the transcript's 3' end. VCF-style (leftmost placement, unchanged base first): chr19-13298584-CGTCCCCCTCGTACGT-C. GRCh37 (hg19) VCF-style: chr19-13409398-CGTCCCCCTCGTACGT-C.
Other names: c.3046_3060del, p.Thr1016_Asp1020del (NM_000068.4, NM_023035.3); c.3036_3050delCACGTACGAGGGGGA, p.Thr1013_Asp1017del (NM_001127221.1); c.3037_3051del, p.Thr1013_Asp1017del (NM_001127221.2, NM_001174080.2).
Identifiers: ClinVar variation 2576667 (VCV002576667.1), dbSNP rs2512904645, ClinGen allele CA2580613073.

ClinVar aggregate classification (germline): Uncertain significance (1 of 4 stars; one submission).

Submission:

GeneDx
Classification: Uncertain significance. Last evaluated: 2023-02-17. Review status: criteria provided, single submitter. Criteria: GeneDx Variant Classification Process June 2021. Collection method: clinical testing. Allele origin: germline. Affected: yes.
Comment: Not observed at significant frequency in large population cohorts (gnomAD); In-frame deletion of 5 amino acids in a non-repeat region; In silico analysis supports that this variant does not alter protein structure/function; Has not been previously published as pathogenic or benign to our knowledge